The following is an entry in ClinVar:

ClinVar aggregate classification (germline): Benign/Likely benign. Review status: criteria provided, multiple submitters, no conflicts (2 of 4 stars). 5 submissions from 5 submitters: Benign (3); Likely benign (2). Last evaluated 2026-08-01.

Conditions:
Sotos syndrome (SOTOS). Also called: CHROMOSOME 5q35 DELETION SYNDROME; Sotos' syndrome; SOTOS SYNDROME 1; CEREBRAL GIGANTISM; Distinctive facial appearance, overgrowth in childhood, and learning disabilities or delayed development. Identifiers: Orphanet 821, MedGen C0175695, MONDO:0019349, OMIM 117550.

Allele frequency attached by ClinVar (database versions not stated): TOPMed 0.00001; gnomAD 0.00004 and 0.00005; ExAC 0.00015; gnomAD exomes 0.00015; 1000 Genomes Project 30x 0.00031; 1000 Genomes Project 0.00040.
gnomAD v4.1: 135 of 1,608,150 alleles (0.0084%); highest among the groups gnomAD compares: South Asian, 0.074%; no homozygotes.

Submissions (5):

CeGaT Center for Human Genetics Tuebingen
Classification: Likely benign. Last evaluated: 2026-08-01. Review status: criteria provided, single submitter. Criteria: CeGaT Center For Human Genetics Tuebingen Variant Classification Criteria Version 2. Collection method: clinical testing. Allele origin: germline. Affected: yes. Observed: 2 variant alleles.
Comment: NSD1: BS2

Labcorp Genetics (formerly Invitae), Labcorp
Classification: Benign. Last evaluated: 2025-02-10. Review status: criteria provided, single submitter. Criteria: Invitae Variant Classification Sherloc (09022015). Collection method: clinical testing. Allele origin: germline.

Genome-Nilou Lab
Classification: Benign for Sotos syndrome. Last evaluated: 2021-07-15. Review status: criteria provided, single submitter. Criteria: ACMG Guidelines, 2015. Collection method: clinical testing. Allele origin: germline. Affected: no.

GeneDx
Classification: Benign. Last evaluated: 2021-04-29. Review status: criteria provided, single submitter. Criteria: GeneDx Variant Classification Process June 2021. Collection method: clinical testing. Allele origin: germline. Affected: yes.

Center for Pediatric Genomic Medicine, Children's Mercy Hospital and Clinics
Classification: Likely benign. Last evaluated: 2016-04-19. Review status: criteria provided, single submitter. Criteria: ACMG Guidelines, 2015. Collection method: clinical testing. Allele origin: germline.
ClinVar note: Converted during submission from Likely Benign to Likely benign.

NM_022455.5(NSD1):c.708G>C (p.Gln236His)

Gene: NSD1 (nuclear receptor binding SET domain protein 1; plus strand). Cytogenetic location: 5q35.3.
Variant type: single nucleotide variant.
Coding change: c.708G>C on transcript NM_022455.5 (MANE Select); coding-DNA position 708, G replaced by C.
Protein change: p.Gln236His; replaces glutamine 236 with histidine.
Molecular consequence: missense variant. On other transcripts: intron variant (8).
Genome position (GRCh38, 1-based): chr5:177,135,811, G>C. VCF-style: chr5-177135811-G-C. GRCh37 (hg19) VCF-style: chr5-176562812-G-C.
Other names: c.708G>C, p.Gln236His (NM_001409301.1, NM_001409302.1, NM_001409303.1); c.418-130G>C (NM_001409304.1); c.-36-130G>C (NM_001409305.1, NM_001409306.1, NM_001409308.1 and 4 more transcripts); short protein forms Q236H.
Identifiers: ClinVar variation 235296 (VCV000235296.18), dbSNP rs28932175, ClinGen allele CA3576937.
Genomic context (GRCh38, chr5:177,135,811, plus strand): 5'-GAGTAGACACGGTGCAGTCAAATCGCCATTCTTGCCATTAGCTCCTCAGACTGAAACACA[G>C]AAAAATAAGCAAAGAAATGAAGTGGACGGCAGCAATGAAAAAGCAGCCCTTCTCCCAGCC-3'
Protein context (NP_071900.2, residues 226-246): FLPLAPQTET[Gln236His]KNKQRNEVDG